The following is an entry in ClinVar:

ClinVar aggregate classification (germline): Pathogenic. Review status: criteria provided, multiple submitters, no conflicts (2 of 4 stars). 2 submissions from 2 submitters: Pathogenic (2). Last evaluated 2024-12-11.

Conditions:
Inborn genetic diseases. Identifiers: MedGen C0950123, MeSH D030342.

gnomAD v4.1: 1 of 1,614,222 alleles (0.000062%); highest among the groups gnomAD compares: African/African-American, 0.0013%; no homozygotes.

Submissions (2):

Ambry Genetics
Classification: Pathogenic for Inborn genetic diseases. Last evaluated: 2024-12-11. Review status: criteria provided, single submitter. Criteria: Ambry Variant Classification Scheme 2023. Collection method: clinical testing. Allele origin: germline.
Comment: The p.E483* pathogenic mutation (also known as c.1447G>T), located in coding exon 6 of the MBD4 gene, results from a G to T substitution at nucleotide position 1447. This changes the amino acid from a glutamic acid to a stop codon within coding exon 6. This variant is considered to be rare based on population cohorts in the Genome Aggregation Database (gnomAD). This alteration is expected to result in loss of function by premature protein truncation or nonsense-mediated mRNA decay. As such, this alteration is interpreted as a disease-causing mutation.

Labcorp Genetics (formerly Invitae), Labcorp
Classification: Pathogenic. Last evaluated: 2024-01-02. Review status: criteria provided, single submitter. Criteria: Invitae Variant Classification Sherloc (09022015). Collection method: clinical testing. Allele origin: germline.
Comment: This sequence change creates a premature translational stop signal (p.Glu489*) in the MBD4 gene. It is expected to result in an absent or disrupted protein product. Loss-of-function variants in MBD4 are known to be pathogenic (PMID: 30049810, 35460607). This variant is not present in population databases (gnomAD no frequency). This variant has not been reported in the literature in individuals affected with MBD4-related conditions. For these reasons, this variant has been classified as Pathogenic.

Literature cited by the submitters: PubMed 30049810 (cited by Labcorp Genetics (formerly Invitae), Labcorp); PubMed 35460607 (cited by Labcorp Genetics (formerly Invitae), Labcorp).

NM_001276270.2(MBD4):c.1447G>T (p.Glu483Ter)

Gene: MBD4 (methyl-CpG binding domain 4, DNA glycosylase; minus strand). Cytogenetic location: 3q21.3.
Variant type: single nucleotide variant.
Coding change: c.1447G>T on transcript NM_001276270.2 (MANE Select); coding-DNA position 1447, G replaced by T.
Protein change: p.Glu483Ter; replaces glutamic acid 483 with a stop codon.
Molecular consequence: nonsense.
Genome position (GRCh38, 1-based): chr3:129,433,194, C>A on the plus strand (G>T on the coding strand, the complement: MBD4 is on the minus strand). VCF-style: chr3-129433194-C-A. GRCh37 (hg19) VCF-style: chr3-129152037-C-A.
Other names: c.1465G>T, p.Glu489Ter (NM_001276271.2, NM_001276272.2, NM_003925.3); c.511G>T, p.Glu171Ter (NM_001276273.2); short protein forms E171*, E483*, E489*.
Identifiers: ClinVar variation 2706994 (VCV002706994.4), dbSNP rs772389783, ClinGen allele CA82627240.